The following is an entry in ClinVar:

NM_001256789.3(CACNA1F):c.2624T>A (p.Val875Glu)

Gene: CACNA1F (calcium voltage-gated channel subunit alpha1 F; minus strand). Cytogenetic location: Xp11.23.
Variant type: single nucleotide variant.
Coding change: c.2624T>A on transcript NM_001256789.3 (MANE Select); coding-DNA position 2624, T replaced by A.
Protein change: p.Val875Glu; replaces valine 875 with glutamic acid.
Molecular consequence: missense variant.
Genome position (GRCh38, 1-based): chrX:49,219,370, A>T on the plus strand (T>A on the coding strand, the complement: CACNA1F is on the minus strand). VCF-style: chrX-49219370-A-T. GRCh37 (hg19) VCF-style: chrX-49075829-A-T.
Other names: c.2462T>A, p.Val821Glu (NM_001256790.3); c.2657T>A, p.Val886Glu (NM_005183.4); short protein forms V875E, V821E, V886E.
Identifiers: ClinVar variation 931151 (VCV000931151.3), dbSNP rs2065752304, ClinGen allele CA412965258.

ClinVar aggregate classification (germline): Uncertain significance (1 of 4 stars; one submission).

Conditions:
Congenital stationary night blindness 2A (CSNB2A). Also called: CSNB, INCOMPLETE, X-LINKED; Night blindness, congenital stationary (incomplete), 2A, X-linked; CACNA1F-Related X-Linked Congenital Stationary Night Blindness; NIGHT BLINDNESS, CONGENITAL STATIONARY, TYPE 2. Identifiers: Orphanet 215, MedGen C1848172, MONDO:0010241, OMIM 300071.

Submission:

Centre for Mendelian Genomics, University Medical Centre Ljubljana
Classification: Uncertain significance for Congenital stationary night blindness 2A. Last evaluated: 2019-06-28. Review status: criteria provided, single submitter. Criteria: ACMG Guidelines, 2015. Collection method: clinical testing. Allele origin: unknown. Affected: yes.
Comment: This variant was classified as: Uncertain significance. The available evidence favors the pathogenic nature of this variant, however the currently available data is insufficient to conclusively support its pathogenic nature. Thus this variant is classified as Uncertain significance - favor pathogenic. The following ACMG criteria were applied in classifying this variant: PM2,PP2,PP3,PP4. This variant was detected in hemizygous state.